The following is an entry in ClinVar:

NM_006421.5(ARFGEF1):c.5235T>G (p.Ser1745Arg)

Gene: ARFGEF1 (ARF guanine nucleotide exchange factor 1; minus strand). Cytogenetic location: 8q13.2.
Variant type: single nucleotide variant.
Coding change: c.5235T>G on transcript NM_006421.5 (MANE Select); coding-DNA position 5235, T replaced by G.
Protein change: p.Ser1745Arg; replaces serine 1745 with arginine.
Molecular consequence: missense variant. On other transcripts: non-coding transcript variant (1).
Genome position (GRCh38, 1-based): chr8:67,201,499, A>C on the plus strand (T>G on the coding strand, the complement: ARFGEF1 is on the minus strand). VCF-style: chr8-67201499-A-C. GRCh37 (hg19) VCF-style: chr8-68113734-A-C.
Other names: c.5235T>G, p.Ser1745Arg (NM_001413184.1, NM_001413187.1, NM_001413194.1); c.5217T>G, p.Ser1739Arg (NM_001413185.1, NM_001413186.1, NM_001413189.1); c.4635T>G, p.Ser1545Arg (NM_001413188.1, NM_001413197.1); c.5229T>G, p.Ser1743Arg (NM_001413190.1); c.5139T>G, p.Ser1713Arg (NM_001413191.1); c.5121T>G, p.Ser1707Arg (NM_001413192.1); c.4617T>G, p.Ser1539Arg (NM_001413193.1); c.3810T>G, p.Ser1270Arg (NM_001413196.1); short protein forms S1270R, S1539R, S1545R, S1707R, S1713R, S1739R, S1743R, S1745R.
Identifiers: ClinVar variation 4976213 (VCV004976213.1).

ClinVar aggregate classification (germline): Uncertain significance (1 of 4 stars; one submission).

Submission:

GeneDx
Classification: Uncertain significance. Last evaluated: 2026-02-19. Review status: criteria provided, single submitter. Criteria: GeneDx Variant Classification Process June 2021. Collection method: clinical testing. Allele origin: germline.
Comment: Not observed at significant frequency in large population cohorts (gnomAD); In silico analysis suggests that this missense variant does not alter protein structure/function; Has not been previously published as pathogenic or benign to our knowledge